The following is an entry in ClinVar:

ClinVar aggregate classification (germline): Pathogenic (1 of 4 stars; one submission).

Conditions:
Severe combined immunodeficiency due to DCLRE1C deficiency (RS-SCID). Also called: SCID, AUTOSOMAL RECESSIVE, T CELL-NEGATIVE, B CELL-NEGATIVE, NK CELL-POSITIVE, WITH SENSITIVITY TO IONIZING RADIATION. Identifiers: Orphanet 275, MedGen C1865371, MONDO:0011225, OMIM 602450.

Submission:

Labcorp Genetics (formerly Invitae), Labcorp
Classification: Pathogenic for Severe combined immunodeficiency with sensitivity to ionizing radiation. Last evaluated: 2019-11-12. Review status: criteria provided, single submitter. Criteria: Invitae Variant Classification Sherloc (09022015). Collection method: clinical testing. Allele origin: germline.
Comment: This variant is a gross deletion of the genomic region encompassing exons 1-3 of the DCLRE1C gene, which includes the initiator codon. The 5' end of this event is unknown as it extends beyond the assayed region for this gene and therefore may encompass additional genes. The 3' boundary is likely confined to intron 3 of the DCLRE1C gene. This is expected to result in an absent or disrupted protein product. Deletions of exons 1-3 have been reported in several individuals affected with severe combined immunodeficiency (SCID) or Omenn syndrome (OS) (PMID: 19912631). Loss-of-function variants in DCLRE1C are known to be pathogenic (PMID: 21664875, 26123418). For these reasons, this variant has been classified as Pathogenic.

Literature cited by the submitters: PubMed 19912631.

NC_000010.11:g.(?_14945085)_(14954030_?)del

Gene: DCLRE1C (DNA cross-link repair 1C; minus strand). Cytogenetic location: 10p13.
Variant type: Deletion.
Identifiers: ClinVar variation 583822 (VCV000583822.3).